The following is an entry in ClinVar:

NM_130384.3(ATRIP):c.1640C>T (p.Ala547Val)

Genes: ATRIP (ATR interacting protein; plus strand), ATRIP-TREX1 (ATRIP-TREX1 readthrough; plus strand). Cytogenetic location: 3p21.31.
Variant type: single nucleotide variant.
Coding change: c.1640C>T on transcript NM_130384.3 (MANE Select); coding-DNA position 1640, C replaced by T.
Protein change: p.Ala547Val; replaces alanine 547 with valine.
Molecular consequence: missense variant. On other transcripts: non-coding transcript variant (1).
Genome position (GRCh38, 1-based): chr3:48,460,694, C>T. VCF-style: chr3-48460694-C-T. GRCh37 (hg19) VCF-style: chr3-48502093-C-T.
Other names: c.1259C>T, p.Ala420Val (NM_001271022.2); c.1361C>T, p.Ala454Val (NM_001271023.2); c.1640C>T, p.Ala547Val (NM_032166.4); short protein forms A454V, A420V, A547V.
Identifiers: ClinVar variation 4715621 (VCV004715621.1).

ClinVar aggregate classification (germline): Uncertain significance (1 of 4 stars; one submission).

gnomAD v4.1: 1 of 1,614,116 alleles (0.000062%); highest among the groups gnomAD compares: South Asian, 0.0011%; no homozygotes.

Submission:

Labcorp Genetics (formerly Invitae), Labcorp
Classification: Uncertain significance. Last evaluated: 2025-03-20. Review status: criteria provided, single submitter. Criteria: Invitae Variant Classification Sherloc (09022015). Collection method: clinical testing. Allele origin: germline.
Comment: This sequence change replaces alanine, which is neutral and non-polar, with valine, which is neutral and non-polar, at codon 547 of the ATRIP protein (p.Ala547Val). This variant is not present in population databases (gnomAD no frequency). This variant has not been reported in the literature in individuals affected with ATRIP-related conditions. An algorithm developed to predict the effect of missense changes on protein structure and function (PolyPhen-2) suggests that this variant is likely to be tolerated. In summary, the available evidence is currently insufficient to determine the role of this variant in disease. Therefore, it has been classified as a Variant of Uncertain Significance.